The following is an entry in ClinVar:

NM_001367943.1(TCF7L2):c.1183G>A (p.Glu395Lys)

Gene: TCF7L2 (transcription factor 7 like 2; plus strand). Cytogenetic location: 10q25.3.
Variant type: single nucleotide variant.
Coding change: c.1183G>A on transcript NM_001367943.1 (MANE Select); coding-DNA position 1183, G replaced by A.
Protein change: p.Glu395Lys; replaces glutamic acid 395 with lysine.
Molecular consequence: missense variant.
Genome position (GRCh38, 1-based): chr10:113,152,354, G>A. VCF-style: chr10-113152354-G-A. GRCh37 (hg19) VCF-style: chr10-114912113-G-A.
Other names: c.1183G>A, p.Glu395Lys (NM_001146274.2, NM_001198531.2, NM_001363501.2); c.1255G>A, p.Glu419Lys (NM_001146283.2); c.1102G>A, p.Glu368Lys (NM_001146284.2, NM_001198527.2); c.1114G>A, p.Glu372Lys (NM_001146285.2, NM_001146286.2, NM_001198526.2 and 3 more transcripts); c.1129G>A, p.Glu377Lys (NM_001198525.2); c.1012G>A, p.Glu338Lys (NM_001198530.2); c.754G>A, p.Glu252Lys (NM_001349870.2); c.634G>A, p.Glu212Lys (NM_001349871.1); short protein forms E212K, E252K, E338K, E368K, E372K, E377K, E395K, E419K.
Identifiers: ClinVar variation 3774737 (VCV003774737.1).

ClinVar aggregate classification (germline): Uncertain significance (1 of 4 stars; one submission).

Submission:

GeneDx
Classification: Uncertain significance. Last evaluated: 2024-09-26. Review status: criteria provided, single submitter. Criteria: GeneDx Variant Classification Process June 2021. Collection method: clinical testing. Allele origin: germline. Affected: yes.
Comment: Not observed at significant frequency in large population cohorts (gnomAD); In silico analysis supports that this missense variant has a deleterious effect on protein structure/function; Has not been previously published as pathogenic or benign to our knowledge